The following is an entry in ClinVar:

NM_182641.4(BPTF):c.3263T>C (p.Ile1088Thr)

Gene: BPTF (bromodomain PHD finger transcription factor; plus strand). Cytogenetic location: 17q24.2.
Variant type: single nucleotide variant.
Coding change: c.3263T>C on transcript NM_182641.4 (MANE Select); coding-DNA position 3263, T replaced by C.
Protein change: p.Ile1088Thr; replaces isoleucine 1088 with threonine.
Molecular consequence: missense variant.
Genome position (GRCh38, 1-based): chr17:67,911,147, T>C. VCF-style: chr17-67911147-T-C. GRCh37 (hg19) VCF-style: chr17-65907263-T-C.
Other names: c.3641T>C, p.Ile1214Thr (NM_004459.7); c.3263T>C (NM_182641.3); short protein forms I1088T, I1214T.
Identifiers: ClinVar variation 3699599 (VCV003699599.5).

ClinVar aggregate classification (germline): Uncertain significance. Review status: criteria provided, multiple submitters, no conflicts (2 of 4 stars). 3 submissions from 3 submitters: Uncertain significance (3). Last evaluated 2026-01-06.

Conditions:
Inborn genetic diseases. Identifiers: MedGen C0950123, MeSH D030342.

gnomAD v4.1: 2 of 1,613,948 alleles (0.00012%); highest among the groups gnomAD compares: Admixed American, 0.0017%; no homozygotes.

Submissions (3):

Dasa
Classification: Uncertain significance. Last evaluated: 2026-01-06. Review status: criteria provided, single submitter. Criteria: DASA Assertion Criteria. Collection method: clinical testing. Allele origin: germline.
Comment: NM_182641.4(BPTF):c.3263T>C (p.Ile1088Thr) is a missense variant that results in the substitution of isoleucine with threonine. This variant is rare in population databases. Computational prediction algorithms are consistent with a benign effect. The currently available literature and clinical evidence are not sufficient to establish a definitive association between this variant and the reported condition. Therefore, this variant is classified as a variant of uncertain significance.

Ambry Genetics
Classification: Uncertain significance for Inborn genetic diseases. Last evaluated: 2025-03-15. Review status: criteria provided, single submitter. Criteria: Ambry Variant Classification Scheme 2023. Collection method: clinical testing. Allele origin: germline.

Labcorp Genetics (formerly Invitae), Labcorp
Classification: Uncertain significance. Last evaluated: 2024-03-30. Review status: criteria provided, single submitter. Criteria: Invitae Variant Classification Sherloc (09022015). Collection method: clinical testing. Allele origin: germline.
Comment: This sequence change replaces isoleucine, which is neutral and non-polar, with threonine, which is neutral and polar, at codon 1214 of the BPTF protein (p.Ile1214Thr). This variant is not present in population databases (gnomAD no frequency). This variant has not been reported in the literature in individuals affected with BPTF-related conditions. An algorithm developed to predict the effect of missense changes on protein structure and function (PolyPhen-2) suggests that this variant is likely to be tolerated. In summary, the available evidence is currently insufficient to determine the role of this variant in disease. Therefore, it has been classified as a Variant of Uncertain Significance.